The following is an entry in ClinVar:

ClinVar aggregate classification (germline): Uncertain significance. Review status: criteria provided, multiple submitters, no conflicts (2 of 4 stars). 2 submissions from 2 submitters: Uncertain significance (2). Last evaluated 2025-03-16.

Conditions:
UDPglucose-4-epimerase deficiency. Also called: GALACTOSEMIA III; GALE DEFICIENCY; Epimerase Deficiency Galactosemia; Galactose epimerase deficiency; UDP-GALACTOSE-4-EPIMERASE DEFICIENCY; UDPglucose 4-Epimerase Deficiency Disease. Identifiers: Orphanet 352, Orphanet 79238, MedGen C0751161, MONDO:0009257, OMIM 230350.

Allele frequency attached by ClinVar (database versions not stated): ExAC 0.00004; gnomAD 0.00004; gnomAD exomes 0.00004 and 0.00006; TOPMed 0.00006; ESP Exome Variant Server 0.00008.
gnomAD v4.1: 59 of 1,613,146 alleles (0.0037%); highest among the groups gnomAD compares: African/African-American, 0.0093%; no homozygotes.

Submissions (2):

Labcorp Genetics (formerly Invitae), Labcorp
Classification: Uncertain significance for UDPglucose-4-epimerase deficiency. Last evaluated: 2025-03-16. Review status: criteria provided, single submitter. Criteria: Invitae Variant Classification Sherloc (09022015). Collection method: clinical testing. Allele origin: germline.
Comment: This sequence change replaces arginine, which is basic and polar, with glutamine, which is neutral and polar, at codon 265 of the GALE protein (p.Arg265Gln). This variant is present in population databases (rs377362117, gnomAD 0.01%). This variant has not been reported in the literature in individuals affected with GALE-related conditions. ClinVar contains an entry for this variant (Variation ID: 1304026). An algorithm developed to predict the effect of missense changes on protein structure and function (PolyPhen-2) suggests that this variant is likely to be tolerated. In summary, the available evidence is currently insufficient to determine the role of this variant in disease. Therefore, it has been classified as a Variant of Uncertain Significance.

GeneDx
Classification: Uncertain significance. Last evaluated: 2019-10-28. Review status: criteria provided, single submitter. Criteria: GeneDx Variant Classification Process June 2021. Collection method: clinical testing. Allele origin: germline. Affected: yes.
Comment: Not observed at a significant frequency in large population cohorts (Lek et al., 2016); In silico analysis, which includes protein predictors and evolutionary conservation, supports that this variant does not alter protein structure/function; Observed along with missense variants in the MVD and ALG108 genes in an individual with a clinical diagnosis of fetal alcohol syndrome (FAS), intellectual disability, mitral valve insufficiency, unilateral ectopic kidney and scoliosis in a study assessing possible association with cogenital disorders of N-glycosylation and FAS (de la Morena-Barrio ME et al., 2018); This variant is associated with the following publications: (PMID: 28820871)

NM_001008216.2(GALE):c.794G>A (p.Arg265Gln)

Gene: GALE (UDP-galactose-4-epimerase; minus strand). Cytogenetic location: 1p36.11.
Variant type: single nucleotide variant.
Coding change: c.794G>A on transcript NM_001008216.2 (MANE Select); coding-DNA position 794, G replaced by A.
Protein change: p.Arg265Gln; replaces arginine 265 with glutamine.
Molecular consequence: missense variant.
Genome position (GRCh38, 1-based): chr1:23,796,698, C>T on the plus strand (G>A on the coding strand, the complement: GALE is on the minus strand). VCF-style: chr1-23796698-C-T. GRCh37 (hg19) VCF-style: chr1-24123188-C-T.
Other names: c.794G>A, p.Arg265Gln (NM_000403.4, NM_001127621.2); short protein forms R265Q.
Identifiers: ClinVar variation 1304026 (VCV001304026.7), dbSNP rs377362117, ClinGen allele CA685550.